The following is an entry in ClinVar:

NM_000452.3(SLC10A2):c.1039G>A (p.Glu347Lys)

Gene: SLC10A2 (solute carrier family 10 member 2; minus strand). Cytogenetic location: 13q33.1.
Variant type: single nucleotide variant.
Coding change: c.1039G>A on transcript NM_000452.3 (MANE Select); coding-DNA position 1039, G replaced by A.
Protein change: p.Glu347Lys; replaces glutamic acid 347 with lysine.
Molecular consequence: missense variant.
Genome position (GRCh38, 1-based): chr13:103,046,141, C>T on the plus strand (G>A on the coding strand, the complement: SLC10A2 is on the minus strand). VCF-style: chr13-103046141-C-T. GRCh37 (hg19) VCF-style: chr13-103698491-C-T.
Other names: c.1039G>A (NM_000452.2); short protein forms E347K.
Identifiers: ClinVar variation 2180066 (VCV002180066.5), dbSNP rs766114543, ClinGen allele CA7041948.

ClinVar aggregate classification (germline): Uncertain significance. Review status: criteria provided, single submitter (1 of 4 stars). 2 submissions from 2 submitters: Uncertain significance (1). 1 of the submissions does not count toward it. Last evaluated 2025-02-23.

Conditions:
SLC10A2-related disorder. Also called: SLC10A2-related condition.

Allele frequency attached by ClinVar (database versions not stated): ExAC 0.00001; gnomAD 0.00002; gnomAD exomes 0.00002; TOPMed 0.00002.
gnomAD v4.1: 34 of 1,613,770 alleles (0.0021%); highest among the groups gnomAD compares: African/African-American, 0.0093%; no homozygotes.

Submissions (2):

Labcorp Genetics (formerly Invitae), Labcorp
Classification: Uncertain significance. Last evaluated: 2025-02-23. Review status: criteria provided, single submitter. Criteria: Invitae Variant Classification Sherloc (09022015). Collection method: clinical testing. Allele origin: germline.
Comment: This sequence change replaces glutamic acid, which is acidic and polar, with lysine, which is basic and polar, at codon 347 of the SLC10A2 protein (p.Glu347Lys). This variant is present in population databases (rs766114543, gnomAD 0.006%). This variant has not been reported in the literature in individuals affected with SLC10A2-related conditions. ClinVar contains an entry for this variant (Variation ID: 2180066). An algorithm developed to predict the effect of missense changes on protein structure and function outputs the following: PolyPhen-2: "Benign". The lysine amino acid residue is found in multiple mammalian species, which suggests that this missense change does not adversely affect protein function. In summary, the available evidence is currently insufficient to determine the role of this variant in disease. Therefore, it has been classified as a Variant of Uncertain Significance.

PreventionGenetics, part of Exact Sciences
Classification: Uncertain significance for SLC10A2-related condition. Last evaluated: 2024-08-09. Review status: no assertion criteria provided. Collection method: clinical testing. Allele origin: germline. Not counted in ClinVar's aggregate classification.
Comment: The SLC10A2 c.1039G>A variant is predicted to result in the amino acid substitution p.Glu347Lys. To our knowledge, this variant has not been reported in the literature. This variant is reported in 0.0065% of alleles in individuals of South Asian descent in gnomAD. At this time, the clinical significance of this variant is uncertain due to the absence of conclusive functional and genetic evidence.